The following is an entry in ClinVar:

NM_001130987.2(DYSF):c.4388-2A>G

Gene: DYSF (dysferlin; plus strand). Cytogenetic location: 2p13.2.
Variant type: single nucleotide variant.
Coding change: c.4388-2A>G on transcript NM_001130987.2 (MANE Select); the canonical splice acceptor site of the intron before coding-DNA position 4388, A replaced by G.
Molecular consequence: splice acceptor variant.
Genome position (GRCh38, 1-based): chr2:71,613,332, A>G. VCF-style: chr2-71613332-A-G. GRCh37 (hg19) VCF-style: chr2-71840462-A-G.
Other names: c.4427-2A>G (NM_001130979.2); c.4385-2A>G (NM_001130981.2, NM_001130980.2); c.4334-2A>G (NM_001130978.2, NM_003494.4); c.4292-2A>G (NM_001130977.2, NM_001130976.2); c.4430-2A>G (NM_001130982.2); c.4388-2A>G (NM_001130985.2); c.4337-2A>G (NM_001130983.2, NM_001130455.2); c.4295-2A>G (NM_001130984.2, NM_001130986.2).
Identifiers: ClinVar variation 4815145 (VCV004815145.1).
Genomic context (GRCh38, chr2:71,613,332, plus strand): 5'-TGGTGAGGGGCGAGCCTTTTGAGAGAGCCCCTCTCAGGCCTGGATGGCTCCCTCCCCTGC[A>G]GACGATGTGAGCCTACTCAGTCCTGGGGAAGACGTGCTCATCGACATTGATGACAAGGAG-3'

ClinVar aggregate classification (germline): Likely pathogenic (1 of 4 stars; one submission).

Conditions:
Autosomal recessive limb-girdle muscular dystrophy type 2B (LGMDR2). Also called: MUSCULAR DYSTROPHY, LIMB-GIRDLE, TYPE 3; MUSCULAR DYSTROPHY, LIMB-GIRDLE, AUTOSOMAL RECESSIVE 2; Limb-Girdle Muscular Dystrophy Type 2B (LGMD2B); Limb-girdle muscular dystrophy, type 2B. Identifiers: Orphanet 268, MedGen C1850889, MONDO:0009676, OMIM 253601.

Submission:

Natera, Inc.
Classification: Likely pathogenic for Limb-girdle muscular dystrophy type 2B. Last evaluated: 2025-12-08. Review status: criteria provided, single submitter. Criteria: Natera Variant Classification Schema (03/2026). Collection method: clinical testing. Allele origin: germline.
Comment: The c.4334-2A>G variant in DYSF is a canonical splice acceptor site variant predicted to affect pre-mRNA splicing, which may result in an abnormal transcript and altered protein product. This variant is expected to result in nonsense mediated decay, truncation, or a dysfunctional protein product. This variant is rare in the general population with a frequency below the threshold expected for the associated phenotype(s). Given the available evidence, this variant is classified as Likely Pathogenic.